The following is an entry in ClinVar:

ClinVar aggregate classification (germline): Pathogenic (1 of 4 stars; one submission).

Submission:

Quest Diagnostics Nichols Institute San Juan Capistrano
Classification: Pathogenic. Last evaluated: 2022-11-15. Review status: criteria provided, single submitter. Criteria: ACMG/ClinGen CNV Guidelines, 2019. Collection method: clinical testing. Allele origin: unknown.
Comment: This deletion at Xp22.31 involves multiple genes, including STS (OMIM 300747). X-linked ichthyosis (OMIM 308100, Crane 2023) is caused by mutation or deletion of the STS gene in male patients. Deep corneal opacities and mild abnormalities of the skin have been reported in a subset of carrier females. Thus, based on gene content, this copy number variant (CNV) is classified as pathogenic. References: Crane et al., StatPearls [Internet]. Treasure Island (FL): StatPearls Publishing; 2023 Jan. 2023 Jun 28. PMID: 28846233

GRCh37/hg19 Xp22.31(chrX:6778999-8075687)x1

Genes: PUDP (pseudouridine 5'-phosphatase; minus strand), PNPLA4 (patatin like phospholipase domain containing 4; minus strand), STS (steroid sulfatase; plus strand), VCX (variable charge X-linked; plus strand). Cytogenetic location: Xp22.31.
Variant type: copy number loss.
Change: copy number 1 of chrX:6,778,999-8,075,687 (1.30 Mb, GRCh37 coordinates, 1-based), cytogenetic band Xp22.31.
Identifiers: ClinVar variation 2685693 (VCV002685693.1).